The following is an entry in ClinVar:

ClinVar aggregate classification (germline): Uncertain significance (1 of 4 stars; one submission).

Conditions:
Cornelia de Lange syndrome 1 (CDLS1). Also called: Brachmann de Lange syndrome; NIPBL-Related Cornelia de Lange Syndrome; TYPUS DEGENERATIVUS AMSTELODAMENSIS. Identifiers: Orphanet 199, MedGen C4551851, MONDO:0007387, OMIM 122470.

Allele frequency attached by ClinVar (database versions not stated): TOPMed 0.00002.

Submission:

Labcorp Genetics (formerly Invitae), Labcorp
Classification: Uncertain significance for Cornelia de Lange syndrome 1. Last evaluated: 2024-01-22. Review status: criteria provided, single submitter. Criteria: Invitae Variant Classification Sherloc (09022015). Collection method: clinical testing. Allele origin: germline.
Comment: This sequence change replaces glutamine, which is neutral and polar, with arginine, which is basic and polar, at codon 423 of the NIPBL protein (p.Gln423Arg). This variant is not present in population databases (gnomAD no frequency). This variant has not been reported in the literature in individuals affected with NIPBL-related conditions. Advanced modeling of protein sequence and biophysical properties (such as structural, functional, and spatial information, amino acid conservation, physicochemical variation, residue mobility, and thermodynamic stability) performed at Invitae indicates that this missense variant is not expected to disrupt NIPBL protein function with a negative predictive value of 95%. In summary, the available evidence is currently insufficient to determine the role of this variant in disease. Therefore, it has been classified as a Variant of Uncertain Significance.

NM_133433.4(NIPBL):c.1268A>G (p.Gln423Arg)

Gene: NIPBL (NIPBL cohesin loading factor; plus strand). Cytogenetic location: 5p13.2.
Variant type: single nucleotide variant.
Coding change: c.1268A>G on transcript NM_133433.4 (MANE Select); coding-DNA position 1268, A replaced by G.
Protein change: p.Gln423Arg; replaces glutamine 423 with arginine.
Molecular consequence: missense variant.
Genome position (GRCh38, 1-based): chr5:36,976,175, A>G. VCF-style: chr5-36976175-A-G. GRCh37 (hg19) VCF-style: chr5-36976277-A-G.
Other names: c.1268A>G, p.Gln423Arg (NM_015384.5); short protein forms Q423R.
Identifiers: ClinVar variation 2721018 (VCV002721018.3), dbSNP rs751637394, ClinGen allele CA359486191.